The following is an entry in ClinVar:

NM_000059.4(BRCA2):c.7505G>C (p.Arg2502Pro)

Gene: BRCA2 (BRCA2 DNA repair associated; plus strand). Cytogenetic location: 13q13.1.
Variant type: single nucleotide variant.
Coding change: c.7505G>C on transcript NM_000059.4 (MANE Select); coding-DNA position 7505, G replaced by C.
Protein change: p.Arg2502Pro; replaces arginine 2502 with proline.
Molecular consequence: missense variant.
Genome position (GRCh38, 1-based): chr13:32,356,497, G>C. VCF-style: chr13-32356497-G-C. GRCh37 (hg19) VCF-style: chr13-32930634-G-C.
Other names: short protein forms R2502P.
Identifiers: ClinVar variation 126139 (VCV000126139.17), dbSNP rs56070345, ClinGen allele CA025122.
Genomic context (GRCh38, chr13:32,356,497, plus strand): 5'-CAAGTCTTCAGAATGCCAGAGATATACAGGATATGCGAATTAAGAAGAAACAAAGGCAAC[G>C]CGTCTTTCCACAGCCAGGCAGTCTGTATCTTGCAAAAACATCCACTCTGCCTCGAATCTC-3'
Protein context (NP_000050.3, residues 2492-2512): DMRIKKKQRQ[Arg2502Pro]VFPQPGSLYL

ClinVar aggregate classification (germline): Conflicting classifications of pathogenicity. Review status: criteria provided, conflicting classifications (1 of 4 stars). 5 submissions from 5 submitters: Uncertain significance (3); Likely benign (1). 1 of the submissions does not count toward it. Last evaluated 2026-01-15.

Conditions:
Hereditary cancer-predisposing syndrome. Also called: Tumor predisposition; Hereditary Cancer Syndrome; Neoplastic Syndromes, Hereditary; Hereditary neoplastic syndrome. Identifiers: Orphanet 140162, MedGen C0027672, MeSH D009386, MONDO:0015356.
Hereditary breast ovarian cancer syndrome. Also called: Hereditary breast and ovarian cancer; Hereditary breast and/or ovarian cancer syndrome; BRCA1- and BRCA2-Associated Hereditary Breast and Ovarian Cancer; Hereditary breast and ovarian cancer syndrome; Hereditary breast and ovarian cancer syndrome (HBOC); Breast and ovarian cancer. Identifiers: Orphanet 145, MedGen C0677776, MeSH D061325, MONDO:0003582. Disease mechanism: loss of function.
Breast-ovarian cancer, familial, susceptibility to, 2 (BROVCA2). Also called: BRCA2 Hereditary Breast and Ovarian Cancer. Identifiers: Orphanet 145, MedGen C2675520, MONDO:0012933, OMIM 612555. Disease mechanism: loss of function.

Submissions (5):

Labcorp Genetics (formerly Invitae), Labcorp
Classification: Uncertain significance for Hereditary breast ovarian cancer syndrome. Last evaluated: 2026-01-15. Review status: criteria provided, single submitter. Criteria: Invitae Variant Classification Sherloc (09022015). Collection method: clinical testing. Allele origin: germline.
Comment: This sequence change replaces arginine, which is basic and polar, with proline, which is neutral and non-polar, at codon 2502 of the BRCA2 protein (p.Arg2502Pro). This variant is not present in population databases (gnomAD no frequency). This variant has not been reported in the literature in individuals affected with BRCA2-related conditions. ClinVar contains an entry for this variant (Variation ID: 126139). Invitae Evidence Modeling of protein sequence and biophysical properties (such as structural, functional, and spatial information, amino acid conservation, physicochemical variation, residue mobility, and thermodynamic stability) indicates that this missense variant is not expected to disrupt BRCA2 protein function with a negative predictive value of 95%. In summary, the available evidence is currently insufficient to determine the role of this variant in disease. Therefore, it has been classified as a Variant of Uncertain Significance.

Color Diagnostics, LLC DBA Color Health
Classification: Uncertain significance for Hereditary cancer-predisposing syndrome. Last evaluated: 2025-11-18. Review status: criteria provided, single submitter. Criteria: ACMG Guidelines, 2015. Collection method: clinical testing. Allele origin: germline.
Comment: This missense variant replaces arginine with proline at codon 2502 of the BRCA2 protein. Computational prediction suggests that this variant may not impact protein structure and function. Functional studies have reported that this variant does not impact BRCA2 in growth and sensitivity assays to cisplatin and PARP inhibitor in Brca2-deficient cells and in a haploid cell proliferation assay (PMID: 39779848, 39779857). Multifactorial analysis reached a combined likelihood ratio (LR) of 1.504 based on co-occurrence with a pathogenic variant and family history for one carrier (PMID: 31131967). This variant has not been identified in the general population by the Genome Aggregation Database (gnomAD). The available evidence is insufficient to determine the role of this variant in disease conclusively. Therefore, this variant is classified as a Variant of Uncertain Significance.

Ambry Genetics
Classification: Likely benign for Hereditary cancer-predisposing syndrome. Last evaluated: 2025-04-25. Review status: criteria provided, single submitter. Criteria: Ambry Variant Classification Scheme 2023. Collection method: clinical testing. Allele origin: germline.

Women's Health and Genetics/Laboratory Corporation of America, LabCorp
Classification: Uncertain significance. Last evaluated: 2018-06-22. Review status: criteria provided, single submitter. Criteria: LabCorp Variant Classification Summary - May 2015. Collection method: clinical testing. Allele origin: germline.
Comment: Variant summary: BRCA2 c.7505G>C (p.Arg2502Pro) results in a non-conservative amino acid change located in the Breast cancer type 2 susceptibility protein, helical domain (IPR015252) of the encoded protein sequence. Three of five in-silico tools predict a benign effect of the variant on protein function. The variant was absent in 246182 control chromosomes (gnomAD). The available data on variant occurrences in the general population are insufficient to allow any conclusion about variant significance. To our knowledge, no occurrence of c.7505G>C in individuals affected with Hereditary Breast and Ovarian Cancer and no experimental evidence demonstrating its impact on protein function have been reported. No clinical diagnostic laboratories have submitted clinical-significance assessments for this variant to ClinVar after 2014. Based on the evidence outlined above, the variant was classified as uncertain significance.

Breast Cancer Information Core (BIC) (BRCA2)
Classification: Uncertain significance for Breast-ovarian cancer, familial 2. Last evaluated: 2001-10-29. Review status: no assertion criteria provided. Collection method: clinical testing. Allele origin: germline. Affected: yes. Observed: 1 variant allele. Not counted in ClinVar's aggregate classification.

Literature cited by the submitters: PubMed 31131967 (cited by Color Diagnostics, LLC DBA Color Health); PubMed 39779848 (cited by Color Diagnostics, LLC DBA Color Health); PubMed 39779857 (cited by Color Diagnostics, LLC DBA Color Health); PubMed 19043619 (cited by Ambry Genetics and Women's Health and Genetics/Laboratory Corporation of America, LabCorp).